The following is an entry in ClinVar:

NM_001009944.3(PKD1):c.12722A>C (p.Gln4241Pro)

Gene: PKD1 (polycystin 1, transient receptor potential channel interacting; minus strand). Cytogenetic location: 16p13.3.
Variant type: single nucleotide variant.
Coding change: c.12722A>C on transcript NM_001009944.3 (MANE Select); coding-DNA position 12722, A replaced by C.
Protein change: p.Gln4241Pro; replaces glutamine 4241 with proline.
Molecular consequence: missense variant.
Genome position (GRCh38, 1-based): chr16:2,089,917, T>G on the plus strand (A>C on the coding strand, the complement: PKD1 is on the minus strand). VCF-style: chr16-2089917-T-G. GRCh37 (hg19) VCF-style: chr16-2139918-T-G.
Other names: c.12719A>C, p.Gln4240Pro (NM_000296.4); short protein forms Q4240P, Q4241P.
Identifiers: ClinVar variation 4526246 (VCV004526246.1).

ClinVar aggregate classification (germline): Uncertain significance (1 of 4 stars; one submission).

Submission:

Women's Health and Genetics/Laboratory Corporation of America, LabCorp
Classification: Uncertain significance. Last evaluated: 2025-07-23. Review status: criteria provided, single submitter. Criteria: LabCorp Variant Classification Summary - May 2015. Collection method: clinical testing. Allele origin: germline.
Comment: Variant summary: PKD1 c.12722A>C (p.Gln4241Pro) results in a non-conservative amino acid change in the encoded protein sequence. Algorithms developed to predict the effect of missense changes on protein structure and function are either unavailable or do not agree on the potential impact of this missense change. The variant was absent in 244194 control chromosomes. The available data on variant occurrences in the general population are insufficient to allow any conclusion about variant significance. To our knowledge, no occurrence of c.12722A>C in individuals affected with PKD1-Biallelic Autosomal Recessive Polycystic Kidney Disease and no experimental evidence demonstrating its impact on protein function have been reported. No submitters have cited clinical-significance assessments for this variant to ClinVar. Based on the evidence outlined above, the variant was classified as uncertain significance.